The following is an entry in ClinVar:

NM_001281775.3(ZMYND8):c.1865dup (p.Tyr622Ter)

Gene: ZMYND8 (zinc finger MYND-type containing 8; minus strand). Cytogenetic location: 20q13.12.
Variant type: Duplication.
Coding change: c.1865dup on transcript NM_001281775.3 (MANE Select); coding-DNA position 1865, one base duplicated (A; older notation c.1865dupA).
Protein change: p.Tyr622Ter; replaces tyrosine 622 with a stop codon.
Molecular consequence: nonsense.
Genome position (GRCh38, 1-based): chr20:47,246,427, T duplicated on the plus strand (A on the coding strand, the reverse complement: ZMYND8 is on the minus strand). VCF-style (leftmost placement, unchanged base first): chr20-47246426-A-AT. GRCh37 (hg19) VCF-style: chr20-45875170-A-AT.
Other names: c.1865dup, p.Tyr622Ter (NM_001281783.3, NM_012408.6, NM_183047.4 and 1 more transcripts); c.1649dup, p.Tyr550Ter (NM_001281784.3, NM_001281781.3); c.1886dup, p.Tyr629Ter (NM_001363714.1); c.1805dup, p.Tyr602Ter (NM_001363741.2, NM_001281772.3, NM_001281773.3 and 1 more transcripts); c.1790dup, p.Tyr597Ter (NM_183048.4, NM_001281771.3, NM_001281777.3 and 2 more transcripts); c.1061dup, p.Tyr354Ter (NM_001281779.3, NM_001281780.3); short protein forms Y354*, Y550*, Y597*, Y602*, Y622*, Y629*.
Identifiers: ClinVar variation 4883950 (VCV004883950.2).
Genomic context (GRCh38, chr20:47,246,426, plus strand): 5'-ACCTTCTTTGTCCTCTGTGTCTTCTGGCTCGTTCTTAGACTTCTGCTCATCATCACTGAT[A>AT]TACTCACTATCGCTACTATCTGACTTCTCAGAATCCTCCGAATCGCTGTGCTCTACGGCC-3'

ClinVar aggregate classification (germline): Uncertain significance (1 of 4 stars; one submission).

Conditions:
ZMYND8-related neurodevelopmental disorder.

Submission:

Dasa
Classification: Uncertain significance for ZMYND8-related neurodevelopmental disorder. Last evaluated: 2025-05-17. Review status: criteria provided, single submitter. Criteria: DASA Assertion Criteria. Collection method: clinical testing. Allele origin: germline.
Comment: NM_001281775.3(ZMYND8):c.1865dup (p.Tyr622*) is a frameshift variant in ZMYND8 predicted to alter the reading frame and introduce a premature termination codon. This variant is absent from population databases. The currently available literature and clinical evidence are not sufficient to establish a definitive association between this variant and the reported condition. Therefore, this variant is classified as a variant of uncertain significance.